The following is an entry in ClinVar:

NM_000051.4(ATM):c.4611+9del

Gene: ATM (ATM serine/threonine kinase; plus strand). Cytogenetic location: 11q22.3.
Variant type: Deletion.
Coding change: c.4611+9del on transcript NM_000051.4 (MANE Select); 9 bases into the intron after coding-DNA position 4611, one base deleted (C; older notation c.4611+9delC).
Molecular consequence: intron variant.
Genome position (GRCh38, 1-based): chr11:108,292,802, C deleted. VCF-style (leftmost placement, unchanged base first): chr11-108292801-TC-T. GRCh37 (hg19) VCF-style: chr11-108163528-TC-T.
Other names: c.4611+9del (NM_001351834.2).
Identifiers: ClinVar variation 3254101 (VCV003254101.1), dbSNP rs2546926710.

ClinVar aggregate classification (germline): Likely benign (1 of 4 stars; one submission).

Conditions:
Familial cancer of breast. Also called: BREAST CANCER, FAMILIAL; Hereditary breast cancer; hereditary breast carcinoma. Identifiers: Orphanet 227535, MedGen C0346153, MONDO:0016419, OMIM 114480. Disease mechanism: loss of function.

Submission:

Myriad Genetics, Inc.
Classification: Likely benign for Familial cancer of breast. Last evaluated: 2024-05-20. Review status: criteria provided, single submitter. Criteria: Myriad Autosomal Dominant, Autosomal Recessive and X-Linked Classification Criteria (2023). Collection method: clinical testing. Allele origin: unknown.
Comment: This variant is considered likely benign. This variant is intronic and is not expected to impact mRNA splicing.